The following is an entry in ClinVar:

ClinVar aggregate classification (germline): Uncertain significance (1 of 4 stars; one submission).

Submission:

Labcorp Genetics (formerly Invitae), Labcorp
Classification: Uncertain significance. Last evaluated: 2025-05-05. Review status: criteria provided, single submitter. Criteria: Invitae Variant Classification Sherloc (09022015). Collection method: clinical testing. Allele origin: germline.
Comment: This sequence change replaces serine, which is neutral and polar, with leucine, which is neutral and non-polar, at codon 12 of the RCOR1 protein (p.Ser12Leu). This variant is not present in population databases (gnomAD no frequency). This variant has not been reported in the literature in individuals affected with RCOR1-related conditions. ClinVar contains an entry for this variant (Variation ID: 1944368). Experimental studies and prediction algorithms are not available or were not evaluated, and the functional significance of this variant is currently unknown. In summary, the available evidence is currently insufficient to determine the role of this variant in disease. Therefore, it has been classified as a Variant of Uncertain Significance.

NM_015156.4(RCOR1):c.35C>T (p.Ser12Leu)

Gene: RCOR1 (REST corepressor 1; plus strand). Cytogenetic location: 14q32.31.
Variant type: single nucleotide variant.
Coding change: c.35C>T on transcript NM_015156.4 (MANE Select); coding-DNA position 35, C replaced by T.
Protein change: p.Ser12Leu; replaces serine 12 with leucine.
Molecular consequence: missense variant.
Genome position (GRCh38, 1-based): chr14:102,592,921, C>T. VCF-style: chr14-102592921-C-T. GRCh37 (hg19) VCF-style: chr14-103059258-C-T.
Other names: short protein forms S12L.
Identifiers: ClinVar variation 1944368 (VCV001944368.5), dbSNP rs1893158112, ClinGen allele CA391156852.